The following is an entry in ClinVar:

NM_000069.3(CACNA1S):c.3953+4C>A

Gene: CACNA1S (calcium voltage-gated channel subunit alpha1 S; minus strand). Cytogenetic location: 1q32.1.
Variant type: single nucleotide variant.
Coding change: c.3953+4C>A on transcript NM_000069.3 (MANE Select); 4 bases into the intron after coding-DNA position 3953, C replaced by A.
Molecular consequence: intron variant.
Genome position (GRCh38, 1-based): chr1:201,052,553, G>T on the plus strand (C>A on the coding strand, the complement: CACNA1S is on the minus strand). VCF-style: chr1-201052553-G-T. GRCh37 (hg19) VCF-style: chr1-201021681-G-T.
Identifiers: ClinVar variation 4757722 (VCV004757722.1).

ClinVar aggregate classification (germline): Uncertain significance (1 of 4 stars; one submission).

Conditions:
Malignant hyperthermia, susceptibility to, 5 (MHS5). Also called: CACNA1S-Related Malignant Hyperthermia Susceptibility. Identifiers: Orphanet 423, MedGen C1866077, MONDO:0011163, OMIM 601887.

Submission:

Color Diagnostics, LLC DBA Color Health
Classification: Uncertain significance for Malignant hyperthermia, susceptibility to, 5. Last evaluated: 2025-07-25. Review status: criteria provided, single submitter. Criteria: ACMG Guidelines, 2015. Collection method: clinical testing. Allele origin: germline.
Comment: This variant causes a C to A nucleotide substitution at the +4 position of intron 32 of the CACNA1S gene. To our knowledge, RNA studies have not been reported for this variant. This variant has not been reported in individuals affected with CACNA1S-related disorders in the literature. This variant has not been identified in the general population by the Genome Aggregation Database (gnomAD). The available evidence is insufficient to determine the role of this variant in disease conclusively. Therefore, this variant is classified as a Variant of Uncertain Significance.